The following is an entry in ClinVar:

ClinVar aggregate classification (germline): Uncertain significance. Review status: criteria provided, multiple submitters, no conflicts (2 of 4 stars). 2 submissions from 2 submitters: Uncertain significance (2). Last evaluated 2024-05-17.

Conditions:
Hereditary cancer-predisposing syndrome. Also called: Hereditary neoplastic syndrome; Neoplastic Syndromes, Hereditary; Tumor predisposition; Hereditary Cancer Syndrome. Identifiers: Orphanet 140162, MedGen C0027672, MeSH D009386, MONDO:0015356.
Microcephaly, normal intelligence and immunodeficiency (NBS). Also called: IMMUNODEFICIENCY, MICROCEPHALY, AND CHROMOSOMAL INSTABILITY; SEEMANOVA SYNDROME II; Nijmegen breakage syndrome; Microcephaly with normal intelligence immunodeficiency and lymphoreticular malignancies; Nonsyndromal microcephaly autosomal recessive with normal intelligence; Seemanova syndrome 2. Identifiers: Orphanet 647, MedGen C0398791, MONDO:0009623, OMIM 251260.

Allele frequency attached by ClinVar (database versions not stated): ExAC 0.00001; gnomAD exomes 0.00001; TOPMed 0.00002; gnomAD 0.00004; 1000 Genomes Project 0.00020; 1000 Genomes Project 30x 0.00031.

Submissions (2):

Ambry Genetics
Classification: Uncertain significance for Hereditary cancer-predisposing syndrome. Last evaluated: 2024-05-17. Review status: criteria provided, single submitter. Criteria: Ambry Variant Classification Scheme 2023. Collection method: clinical testing. Allele origin: germline.
Comment: The p.S343P variant (also known as c.1027T>C), located in coding exon 9 of the NBN gene, results from a T to C substitution at nucleotide position 1027. The serine at codon 343 is replaced by proline, an amino acid with similar properties. This amino acid position is well conserved in available vertebrate species. In addition, the in silico prediction for this alteration is inconclusive. Since supporting evidence is limited at this time, the clinical significance of this alteration remains unclear.

Labcorp Genetics (formerly Invitae), Labcorp
Classification: Uncertain significance for Microcephaly, normal intelligence and immunodeficiency. Last evaluated: 2022-12-10. Review status: criteria provided, single submitter. Criteria: Invitae Variant Classification Sherloc (09022015). Collection method: clinical testing. Allele origin: germline.
Comment: In summary, the available evidence is currently insufficient to determine the role of this variant in disease. Therefore, it has been classified as a Variant of Uncertain Significance. This sequence change replaces serine, which is neutral and polar, with proline, which is neutral and non-polar, at codon 343 of the NBN protein (p.Ser343Pro). This variant is present in population databases (rs530636519, gnomAD 0.01%). This variant has not been reported in the literature in individuals affected with NBN-related conditions. ClinVar contains an entry for this variant (Variation ID: 481831). Algorithms developed to predict the effect of missense changes on protein structure and function are either unavailable or do not agree on the potential impact of this missense change (SIFT: "Deleterious"; PolyPhen-2: "Probably Damaging"; Align-GVGD: "Class C15").

NM_002485.5(NBN):c.1027T>C (p.Ser343Pro)

Gene: NBN (nibrin; minus strand). Cytogenetic location: 8q21.3.
Variant type: single nucleotide variant.
Coding change: c.1027T>C on transcript NM_002485.5 (MANE Select); coding-DNA position 1027, T replaced by C.
Protein change: p.Ser343Pro; replaces serine 343 with proline.
Molecular consequence: missense variant.
Genome position (GRCh38, 1-based): chr8:89,958,822, A>G on the plus strand (T>C on the coding strand, the complement: NBN is on the minus strand). VCF-style: chr8-89958822-A-G. GRCh37 (hg19) VCF-style: chr8-90971050-A-G.
Other names: c.781T>C, p.Ser261Pro (NM_001024688.3); short protein forms S343P, S261P.
Identifiers: ClinVar variation 481831 (VCV000481831.14), dbSNP rs530636519, ClinGen allele CA4802814.